The following is an entry in ClinVar:

ClinVar aggregate classification (germline): Uncertain significance. Review status: criteria provided, multiple submitters, no conflicts (2 of 4 stars). 3 submissions from 3 submitters: Uncertain significance (2). 1 of the submissions does not count toward it. Last evaluated 2025-01-27.

Conditions:
X-linked Opitz G/BBB syndrome (GBBB). Also called: Opitz-Frias syndrome; OPITZ BBBG SYNDROME, TYPE I; OPITZ SYNDROME, X-LINKED; OPITZ-G SYNDROME, TYPE I; MID1-Related Opitz G/BBB Syndrome. Identifiers: Orphanet 2745, MedGen C2936904, MONDO:0010222, OMIM 300000.

Allele frequency attached by ClinVar (database versions not stated): TOPMed 0.00001.
gnomAD v4.1: 13 of 1,199,830 alleles (0.0011%); highest among the groups gnomAD compares: South Asian, 0.0018%; no homozygotes.

Submissions (3):

Labcorp Genetics (formerly Invitae), Labcorp
Classification: Uncertain significance. Last evaluated: 2025-01-27. Review status: criteria provided, single submitter. Criteria: Invitae Variant Classification Sherloc (09022015). Collection method: clinical testing. Allele origin: germline.
Comment: This sequence change replaces isoleucine, which is neutral and non-polar, with valine, which is neutral and non-polar, at codon 555 of the MID1 protein (p.Ile555Val). This variant is present in population databases (rs398123341, gnomAD 0.001%). This missense change has been observed in individual(s) with Opitz G/BBB syndrome (PMID: 17221865). ClinVar contains an entry for this variant (Variation ID: 547526). Invitae Evidence Modeling of protein sequence and biophysical properties (such as structural, functional, and spatial information, amino acid conservation, physicochemical variation, residue mobility, and thermodynamic stability) indicates that this missense variant is not expected to disrupt MID1 protein function with a negative predictive value of 80%. In summary, the available evidence is currently insufficient to determine the role of this variant in disease. Therefore, it has been classified as a Variant of Uncertain Significance.

Women's Health and Genetics/Laboratory Corporation of America, LabCorp
Classification: Uncertain significance. Last evaluated: 2024-09-24. Review status: criteria provided, single submitter. Criteria: LabCorp Variant Classification Summary - May 2015. Collection method: clinical testing. Allele origin: germline.
Comment: Variant summary: MID1 c.1663A>G (p.Ile555Val) results in a conservative amino acid change located in the B30.2/SPRY domain (IPR001870) of the encoded protein sequence. Four of five in-silico tools predict a benign effect of the variant on protein function. The variant allele was found at a frequency of 1.1e-05 in 1199830 control chromosomes, predominantly at a frequency of 1.8e-05 within the Non-Finnish European subpopulation and including 3 hemizygous males, in the gnomAD database. The available data on variant occurrences in the general population are insufficient to allow any conclusion about variant significance. c.1663A>G has been reported in the literature in at least one hemizygote affected with Opitz G/BBB syndrome (e.g., Ferrentino_2007). These data do not allow any conclusion about variant significance. To our knowledge, no experimental evidence demonstrating an impact on protein function has been reported. The following publication has been ascertained in the context of this evaluation (PMID: 17221865). ClinVar contains an entry for this variant (Variation ID: 547526). Based on the evidence outlined above, the variant was classified as VUS-possibly benign.

Center for Human Genetics, Inc
Classification: Pathogenic for X-linked Opitz G/BBB syndrome. Last evaluated: 2016-11-01. Review status: flagged submission. Criteria: ACMG Guidelines, 2015. Collection method: clinical testing. Allele origin: germline. Affected: yes. Not counted in ClinVar's aggregate classification.
ClinVar note: Reason: Older claim that does not account for recent evidence

Literature cited by the submitters: PubMed 17221865 (cited by Labcorp Genetics (formerly Invitae), Labcorp and Women's Health and Genetics/Laboratory Corporation of America, LabCorp).

NM_000381.4(MID1):c.1663A>G (p.Ile555Val)

Genes: MID1 (midline 1; minus strand), LOC126863207 (BRD4-independent group 4 enhancer GRCh37_chrX:10416979-10418178; plus strand). Cytogenetic location: Xp22.2.
Variant type: single nucleotide variant.
Coding change: c.1663A>G on transcript NM_000381.4 (MANE Select); coding-DNA position 1663, A replaced by G.
Protein change: p.Ile555Val; replaces isoleucine 555 with valine.
Molecular consequence: missense variant.
Genome position (GRCh38, 1-based): chrX:10,449,709, T>C on the plus strand (A>G on the coding strand, the complement: MID1 is on the minus strand). VCF-style: chrX-10449709-T-C. GRCh37 (hg19) VCF-style: chrX-10417749-T-C.
Other names: c.1663A>G, p.Ile555Val (NM_001098624.2, NM_001193277.1, NM_001347733.2 and 1 more transcripts); c.1549A>G, p.Ile517Val (NM_033289.2); short protein forms I555V, I517V.
Identifiers: ClinVar variation 547526 (VCV000547526.5), dbSNP rs398123341, ClinGen allele CA10347421.